The following is an entry in ClinVar:

ClinVar aggregate classification (germline): Uncertain significance. Review status: criteria provided, multiple submitters, no conflicts (2 of 4 stars). 2 submissions from 2 submitters: Uncertain significance (2). Last evaluated 2025-07-09.

Conditions:
Cutis laxa, autosomal recessive, type 1B (ARCL1B). Also called: CUTIS LAXA, AUTOSOMAL RECESSIVE, TYPE IB; EFEMP2-Related Cutis Laxa. Identifiers: Orphanet 90349, MedGen C3280798, MONDO:0013754, OMIM 614437. Disease mechanism: loss of function.
Cardiovascular phenotype. Identifiers: MedGen CN230736.

Allele frequency attached by ClinVar (database versions not stated): gnomAD 0.00001; TOPMed 0.00001.
gnomAD v4.1: 15 of 1,613,832 alleles (0.00093%); highest among the groups gnomAD compares: Non-Finnish European, 0.0012%; no homozygotes.

Submissions (2):

Ambry Genetics
Classification: Uncertain significance for Cardiovascular phenotype. Last evaluated: 2025-07-09. Review status: criteria provided, single submitter. Criteria: Ambry Variant Classification Scheme 2023. Collection method: clinical testing. Allele origin: germline.
Comment: The p.E214K variant (also known as c.640G>A), located in coding exon 6 of the EFEMP2 gene, results from a G to A substitution at nucleotide position 640. The glutamic acid at codon 214 is replaced by lysine, an amino acid with similar properties. This amino acid position is conserved. In addition, this alteration is predicted to be tolerated by in silico analysis. Based on the available evidence, the clinical significance of this variant remains unclear.

Labcorp Genetics (formerly Invitae), Labcorp
Classification: Uncertain significance for Cutis laxa, autosomal recessive, type 1B. Last evaluated: 2022-03-14. Review status: criteria provided, single submitter. Criteria: Invitae Variant Classification Sherloc (09022015). Collection method: clinical testing. Allele origin: germline.
Comment: In summary, the available evidence is currently insufficient to determine the role of this variant in disease. Therefore, it has been classified as a Variant of Uncertain Significance. Algorithms developed to predict the effect of missense changes on protein structure and function are either unavailable or do not agree on the potential impact of this missense change (SIFT: "Deleterious"; PolyPhen-2: "Benign"; Align-GVGD: "Class C55"). This variant has not been reported in the literature in individuals affected with EFEMP2-related conditions. This variant is present in population databases (no rsID available, gnomAD 0.002%). This sequence change replaces glutamic acid, which is acidic and polar, with lysine, which is basic and polar, at codon 214 of the EFEMP2 protein (p.Glu214Lys).

NM_016938.5(EFEMP2):c.640G>A (p.Glu214Lys)

Gene: EFEMP2 (EGF-like fibulin extracellular matrix protein 2; minus strand). Cytogenetic location: 11q13.1.
Variant type: single nucleotide variant.
Coding change: c.640G>A on transcript NM_016938.5 (MANE Select); coding-DNA position 640, G replaced by A.
Protein change: p.Glu214Lys; replaces glutamic acid 214 with lysine.
Molecular consequence: missense variant. On other transcripts: non-coding transcript variant (1).
Genome position (GRCh38, 1-based): chr11:65,869,944, C>T on the plus strand (G>A on the coding strand, the complement: EFEMP2 is on the minus strand). VCF-style: chr11-65869944-C-T. GRCh37 (hg19) VCF-style: chr11-65637415-C-T.
Other names: c.640G>A (NM_016938.4); short protein forms E214K.
Identifiers: ClinVar variation 2156903 (VCV002156903.3), dbSNP rs751587117, ClinGen allele CA224017217.
Genomic context (GRCh38, chr11:65,869,944, plus strand): 5'-GCTCATAGCCCTGGTGGCAGCGACACAGGAAGGTCCCATAGGAGTTGAAGCAGCGCTGCT[C>T]GCATGGGGCCCCCATGTCACACTCGTTCACATCTGGGGGTGCCAGGAAAAACAGGAGGGA-3'
Protein context (NP_058634.4, residues 204-224): VNECDMGAPC[Glu214Lys]QRCFNSYGTF